The following is an entry in ClinVar:

ClinVar aggregate classification (germline): Uncertain significance (1 of 4 stars; one submission).

Submission:

GeneDx
Classification: Uncertain significance. Last evaluated: 2025-07-08. Review status: criteria provided, single submitter. Criteria: GeneDx Variant Classification Process June 2021. Collection method: clinical testing. Allele origin: germline.
Comment: Not observed at significant frequency in large population cohorts (gnomAD); In silico analysis suggests that this missense variant does not alter protein structure/function; Has not been previously published as pathogenic or benign to our knowledge

NM_004456.5(EZH2):c.226T>A (p.Ser76Thr)

Gene: EZH2 (enhancer of zeste 2 polycomb repressive complex 2 subunit; minus strand). Cytogenetic location: 7q36.1.
Variant type: single nucleotide variant.
Coding change: c.226T>A on transcript NM_004456.5 (MANE Select); coding-DNA position 226, T replaced by A.
Protein change: p.Ser76Thr; replaces serine 76 with threonine.
Molecular consequence: missense variant. On other transcripts: intron variant (2).
Genome position (GRCh38, 1-based): chr7:148,846,490, A>T on the plus strand (T>A on the coding strand, the complement: EZH2 is on the minus strand). VCF-style: chr7-148846490-A-T. GRCh37 (hg19) VCF-style: chr7-148543582-A-T.
Other names: c.226T>A, p.Ser76Thr (NM_001203247.2, NM_152998.3); c.219+7T>A (NM_001203248.2, NM_001203249.2); short protein forms S76T.
Identifiers: ClinVar variation 3731206 (VCV003731206.2).